The following is an entry in ClinVar:

NM_001130987.2(DYSF):c.5884+71C>T

Gene: DYSF (dysferlin; plus strand). Cytogenetic location: 2p13.2.
Variant type: single nucleotide variant.
Coding change: c.5884+71C>T on transcript NM_001130987.2 (MANE Select); 71 bases into the intron after coding-DNA position 5884, C replaced by T.
Molecular consequence: intron variant.
Genome position (GRCh38, 1-based): chr2:71,674,367, C>T. VCF-style: chr2-71674367-C-T. GRCh37 (hg19) VCF-style: chr2-71901497-C-T.
Other names: c.5860+71C>T (NM_001130979.2); c.5881+71C>T (NM_001130981.2); c.5818+71C>T (NM_001130980.2); c.5830+71C>T (NM_001130978.2); c.5767+71C>T (NM_003494.4); c.5788+71C>T (NM_001130977.2); c.5725+71C>T (NM_001130976.2); c.5863+71C>T (NM_001130982.2); and 5 more.
Identifiers: ClinVar variation 678977 (VCV000678977.1), dbSNP rs72904668, ClinGen allele CA49771670.
Genomic context (GRCh38, chr2:71,674,367, plus strand): 5'-TTGCTAGAATCCCATTCTGCACATGGGGGCTGCCCCAGAACCCACACTGTGTGTTTATGC[C>T]ACTGTTGGACCCTTGGGGAAGCCTAGCAGGAGGAGTGATCCCACTTTCTGCTTTCAGGGA-3'

ClinVar aggregate classification (germline): Likely benign (1 of 4 stars; one submission).

Allele frequency attached by ClinVar (database versions not stated): gnomAD exomes 0.00110; gnomAD 0.01078 and 0.01147; 1000 Genomes Project 0.01098; 1000 Genomes Project 30x 0.01140; TOPMed 0.01283.
gnomAD v4.1: 3,106 of 1,453,904 alleles (0.21%); highest among the groups gnomAD compares: African/African-American, 3.7%; 60 homozygotes.

Submission:

GeneDx
Classification: Likely benign. Last evaluated: 2018-06-19. Review status: criteria provided, single submitter. Criteria: GeneDx Variant Classification (06012015). Collection method: clinical testing. Allele origin: germline. Affected: yes.
Comment: This variant is considered likely benign or benign based on one or more of the following criteria: it is a conservative change, it occurs at a poorly conserved position in the protein, it is predicted to be benign by multiple in silico algorithms, and/or has population frequency not consistent with disease.